The following is an entry in ClinVar:

NM_033026.6(PCLO):c.3497C>T (p.Thr1166Met)

Gene: PCLO (piccolo presynaptic cytomatrix protein; minus strand). Cytogenetic location: 7q21.11.
Variant type: single nucleotide variant.
Coding change: c.3497C>T on transcript NM_033026.6 (MANE Select); coding-DNA position 3497, C replaced by T.
Protein change: p.Thr1166Met; replaces threonine 1166 with methionine.
Molecular consequence: missense variant.
Genome position (GRCh38, 1-based): chr7:82,966,291, G>A on the plus strand (C>T on the coding strand, the complement: PCLO is on the minus strand). VCF-style: chr7-82966291-G-A. GRCh37 (hg19) VCF-style: chr7-82595607-G-A.
Other names: c.3497C>T, p.Thr1166Met (NM_014510.3); c.3497C>T (NM_033026.5); short protein forms T1166M.
Identifiers: ClinVar variation 1482740 (VCV001482740.7), dbSNP rs536902882, ClinGen allele CA4321027.

ClinVar aggregate classification (germline): Uncertain significance. Review status: criteria provided, multiple submitters, no conflicts (2 of 4 stars). 3 submissions from 3 submitters: Uncertain significance (3). Last evaluated 2025-05-20.

Conditions:
Inborn genetic diseases. Identifiers: MedGen C0950123, MeSH D030342.

Allele frequency attached by ClinVar (database versions not stated): gnomAD 0.00001; TOPMed 0.00001; gnomAD exomes 0.00002; ExAC 0.00005.
gnomAD v4.1: 25 of 1,612,652 alleles (0.0016%); highest among the groups gnomAD compares: Admixed American, 0.0033%; no homozygotes.

Submissions (3):

Women's Health and Genetics/Laboratory Corporation of America, LabCorp
Classification: Uncertain significance. Last evaluated: 2025-05-20. Review status: criteria provided, single submitter. Criteria: LabCorp Variant Classification Summary - May 2015. Collection method: clinical testing. Allele origin: germline.
Comment: Variant summary: PCLO c.3497C>T (p.Thr1166Met) results in a non-conservative amino acid change in the encoded protein sequence. Algorithms developed to predict the effect of missense changes on protein structure and function are either unavailable or do not agree on the potential impact of this missense change. The variant allele was found at a frequency of 2.4e-05 in 248154 control chromosomes. The available data on variant occurrences in the general population are insufficient to allow any conclusion about variant significance. To our knowledge, no occurrence of c.3497C>T in individuals affected with Pontocerebellar Hypoplasia Type 3 and no experimental evidence demonstrating its impact on protein function have been reported. ClinVar contains an entry for this variant (Variation ID: 1482740). Based on the evidence outlined above, the variant was classified as uncertain significance.

Ambry Genetics
Classification: Uncertain significance for Inborn genetic diseases. Last evaluated: 2024-08-28. Review status: criteria provided, single submitter. Criteria: Ambry Variant Classification Scheme 2023. Collection method: clinical testing. Allele origin: germline.

Labcorp Genetics (formerly Invitae), Labcorp
Classification: Uncertain significance. Last evaluated: 2022-07-01. Review status: criteria provided, single submitter. Criteria: Invitae Variant Classification Sherloc (09022015). Collection method: clinical testing. Allele origin: germline.
Comment: This sequence change replaces threonine, which is neutral and polar, with methionine, which is neutral and non-polar, at codon 1166 of the PCLO protein (p.Thr1166Met). This variant is present in population databases (rs536902882, gnomAD 0.006%). This variant has not been reported in the literature in individuals affected with PCLO-related conditions. ClinVar contains an entry for this variant (Variation ID: 1482740). Algorithms developed to predict the effect of missense changes on protein structure and function are either unavailable or do not agree on the potential impact of this missense change (SIFT: "Tolerated"; PolyPhen-2: "Not Available"; Align-GVGD: "Class C0"). In summary, the available evidence is currently insufficient to determine the role of this variant in disease. Therefore, it has been classified as a Variant of Uncertain Significance.